The following is an entry in ClinVar:

NM_000038.6(APC):c.835-2A>G

Gene: APC (APC regulator of Wnt signaling pathway; plus strand). Cytogenetic location: 5q22.2.
Variant type: single nucleotide variant.
Coding change: c.835-2A>G on transcript NM_000038.6 (MANE Select); the canonical splice acceptor site of the intron before coding-DNA position 835, A replaced by G.
Molecular consequence: splice acceptor variant.
Genome position (GRCh38, 1-based): chr5:112,815,493, A>G. VCF-style: chr5-112815493-A-G. GRCh37 (hg19) VCF-style: chr5-112151190-A-G.
Other names: c.-15-2A>G (NM_001407470.1, NM_001407472.1, NM_001354906.2 and 1 more transcripts); c.835-2A>G (NM_001407447.1, NM_001354895.2, NM_001407456.1 and 12 more transcripts); c.751-2A>G (NM_001407452.1, NM_001407469.1, NM_001354899.2 and 1 more transcripts); c.865-2A>G (NM_001407446.1, NM_001354897.2, NM_001354902.2); c.781-2A>G (NM_001127511.3); c.658-2A>G (NM_001407453.1, NM_001354900.2, NM_001354901.2 and 1 more transcripts); c.760-2A>G (NM_001407451.1, NM_001354898.2, NM_001354904.2).
Identifiers: ClinVar variation 2750399 (VCV002750399.3), dbSNP rs1762404363, ClinGen allele CA360619006.

ClinVar aggregate classification (germline): Likely pathogenic (1 of 4 stars; one submission).

Conditions:
Familial adenomatous polyposis 1 (FAP1). Also called: POLYPOSIS, ADENOMATOUS INTESTINAL; FAMILIAL ADENOMATOUS POLYPOSIS 1, ATTENUATED. Identifiers: MedGen C2713442, MONDO:0021056, OMIM 175100. Disease mechanism: loss of function.

Allele frequency attached by ClinVar (database versions not stated): TOPMed below 0.00001.

Submission:

Labcorp Genetics (formerly Invitae), Labcorp
Classification: Likely pathogenic for Familial adenomatous polyposis 1. Last evaluated: 2023-08-05. Review status: criteria provided, single submitter. Criteria: Invitae Variant Classification Sherloc (09022015). Collection method: clinical testing. Allele origin: germline.
Comment: This variant has not been reported in the literature in individuals affected with APC-related conditions. This variant is not present in population databases (gnomAD no frequency). This sequence change affects an acceptor splice site in intron 8 of the APC gene. It is expected to disrupt RNA splicing. Variants that disrupt the donor or acceptor splice site typically lead to a loss of protein function (PMID: 16199547), and loss-of-function variants in APC are known to be pathogenic (PMID: 17963004, 20685668). In summary, the currently available evidence indicates that the variant is pathogenic, but additional data are needed to prove that conclusively. Therefore, this variant has been classified as Likely Pathogenic. Algorithms developed to predict the effect of sequence changes on RNA splicing suggest that this variant may disrupt the consensus splice site.

Literature cited by the submitters: PubMed 16199547; PubMed 17963004; PubMed 20685668.